The following is an entry in ClinVar:

ClinVar aggregate classification (germline): Uncertain significance. Review status: criteria provided, multiple submitters, no conflicts (2 of 4 stars). 2 submissions from 2 submitters: Uncertain significance (2). Last evaluated 2026-05-05.

Submissions (2):

Women's Health and Genetics/Laboratory Corporation of America, LabCorp
Classification: Uncertain significance. Last evaluated: 2026-05-05. Review status: criteria provided, single submitter. Criteria: LabCorp Variant Classification Summary - May 2015. Collection method: clinical testing. Allele origin: germline.
Comment: Variant summary: VPS13A c.2607_2616delinsC (p.Leu869_Gln872delinsPhe) results in an in-frame deletion-insertion that is predicted to delete 4 amino acids from the protein and also insert 1 amino acid. The frequency of this variant in the general population could not be determined as the technology used for large population databases (ExAC, gnomAD, ESP, 1000G) cannot detect variants of this type. The available data on variant occurrences in the general population are insufficient to allow any conclusion about variant significance. To our knowledge, no occurrence of c.2607_2616delinsC in individuals affected with VPS13A-related conditions and no experimental evidence demonstrating its impact on protein function have been reported. ClinVar contains an entry for this variant (Variation ID: 1960885). Based on the evidence outlined above, the variant was classified as uncertain significance.

Labcorp Genetics (formerly Invitae), Labcorp
Classification: Uncertain significance. Last evaluated: 2022-01-27. Review status: criteria provided, single submitter. Criteria: Invitae Variant Classification Sherloc (09022015). Collection method: clinical testing. Allele origin: germline.
Comment: This variant, c.2607_2616delinsC, is a complex sequence change that results in the deletion of 4 and insertion of 1 amino acid(s) in the VPS13A protein (p.Leu869_Gln872delinsPhe). Information on the frequency of this variant in the gnomAD database is not available, as this variant may be reported differently in the database. This variant has not been reported in the literature in individuals affected with VPS13A-related conditions. Experimental studies and prediction algorithms are not available or were not evaluated, and the functional significance of this variant is currently unknown. In summary, the available evidence is currently insufficient to determine the role of this variant in disease. Therefore, it has been classified as a Variant of Uncertain Significance.

NM_033305.3(VPS13A):c.2607_2616delinsC (p.Leu869_Gln872delinsPhe)

Gene: VPS13A (vacuolar protein sorting 13 homolog A; plus strand). Cytogenetic location: 9q21.2.
Variant type: Indel.
Coding change: c.2607_2616delinsC on transcript NM_033305.3 (MANE Select); coding-DNA positions 2607 to 2616, ACAAAAGCAG replaced by C.
Protein change: p.Leu869_Gln872delinsPhe.
Molecular consequence: inframe indel.
Genome position (GRCh38, 1-based): chr9:77,275,592-77,275,601, ACAAAAGCAG replaced by C. VCF-style: chr9-77275592-ACAAAAGCAG-C. GRCh37 (hg19) VCF-style: chr9-79890508-ACAAAAGCAG-C.
Other names: c.2607_2616delinsC, p.Leu869_Gln872delinsPhe (NM_001018037.2, NM_001018038.3, NM_015186.4).
Identifiers: ClinVar variation 1960885 (VCV001960885.3), dbSNP rs2537812956, ClinGen allele CA1139532327.